The following is an entry in ClinVar:

ClinVar aggregate classification (germline): Benign. Review status: criteria provided, multiple submitters, no conflicts (2 of 4 stars). 5 submissions from 5 submitters: Benign (5). Last evaluated 2026-02-02.

Conditions:
Hypophosphatemic rickets, autosomal recessive, 1 (ARHR1). Also called: HYPOPHOSPHATEMIA, AUTOSOMAL RECESSIVE. Identifiers: Orphanet 289176, MedGen C4551495, MONDO:0009430, OMIM 241520. Disease mechanism: loss of function.

Allele frequency attached by ClinVar (database versions not stated): ESP Exome Variant Server 0.00131; gnomAD 0.00466 and 0.00550; gnomAD exomes 0.00547 and 0.01539; TOPMed 0.00896; ExAC 0.01258; 1000 Genomes Project 30x 0.01593; 1000 Genomes Project 0.01617.
gnomAD v4.1: 8,764 of 1,614,116 alleles (0.54%); highest among the groups gnomAD compares: Admixed American, 5.7%; 235 homozygotes.

Submissions (5):

Labcorp Genetics (formerly Invitae), Labcorp
Classification: Benign. Last evaluated: 2026-02-02. Review status: criteria provided, single submitter. Criteria: Invitae Variant Classification Sherloc (09022015). Collection method: clinical testing. Allele origin: germline.

Mayo Clinic Laboratories, Mayo Clinic
Classification: Benign. Last evaluated: 2022-09-26. Review status: criteria provided, single submitter. Criteria: ACMG Guidelines, 2015. Collection method: clinical testing. Allele origin: germline. Observed: 5 variant alleles.

GeneDx
Classification: Benign. Last evaluated: 2018-10-30. Review status: criteria provided, single submitter. Criteria: GeneDx Variant Classification Process June 2021. Collection method: clinical testing. Allele origin: germline. Affected: yes.
Comment: This variant is associated with the following publications: (PMID: 29340306, 27820122, 21050253)

Illumina Laboratory Services, Illumina
Classification: Benign for Hypophosphatemic rickets, autosomal recessive, 1. Last evaluated: 2018-01-13. Review status: criteria provided, single submitter. Criteria: ICSL Variant Classification Criteria 13 December 2019. Collection method: clinical testing. Allele origin: germline.
Comment: This variant was observed in the ICSL laboratory as part of a predisposition screen in an ostensibly healthy population. It had not been previously curated by ICSL or reported in the Human Gene Mutation Database (HGMD: prior to June 1st, 2018), and was therefore a candidate for classification through an automated scoring system. Utilizing variant allele frequency, disease prevalence and penetrance estimates, and inheritance mode, an automated score was calculated to assess if this variant is too frequent to cause the disease. Based on the score and internal cut-off values, a variant classified as benign is not then subjected to further curation. The score for this variant resulted in a classification of benign for this disease.

Breakthrough Genomics
Classification: Benign. Review status: criteria provided, single submitter. Criteria: ACMG Guidelines, 2015. Collection method: not provided. Allele origin: germline. Inheritance: Autosomal recessive inheritance. Affected: yes.

NM_004407.4(DMP1):c.475C>A (p.Gln159Lys)

Genes: DMP1 (dentin matrix acidic phosphoprotein 1; plus strand), DMP1-AS1 (DMP1 and DSPP antisense RNA 1; minus strand). Cytogenetic location: 4q22.1.
Variant type: single nucleotide variant.
Coding change: c.475C>A on transcript NM_004407.4 (MANE Select); coding-DNA position 475, C replaced by A.
Protein change: p.Gln159Lys; replaces glutamine 159 with lysine.
Molecular consequence: missense variant.
Genome position (GRCh38, 1-based): chr4:87,662,253, C>A. VCF-style: chr4-87662253-C-A. GRCh37 (hg19) VCF-style: chr4-88583405-C-A.
Other names: p.Gln159Lys; c.427C>A, p.Gln143Lys (NM_001079911.3); short protein forms Q159K, Q143K.
Identifiers: ClinVar variation 349974 (VCV000349974.18), dbSNP rs79402270, ClinGen allele CA3002041.